The following is an entry in ClinVar:

ClinVar aggregate classification (germline): Conflicting classifications of pathogenicity. Review status: criteria provided, conflicting classifications (1 of 4 stars). 10 submissions from 10 submitters: Pathogenic (1); Uncertain significance (1); Likely benign (5). 3 of the submissions do not count toward it. Last evaluated 2026-02-04.

Conditions:
PCNT-related disorder. Also called: PCNT-related condition.
Microcephalic osteodysplastic primordial dwarfism type II (MOPD2). Also called: OSTEODYSPLASTIC PRIMORDIAL DWARFISM, TYPE II; Microcephalic osteodysplastic primordial dwarfism with tooth abnormalities; MOPD II. Identifiers: Orphanet 2637, MedGen C0432246, MONDO:0008872, OMIM 210720.

Allele frequency attached by ClinVar (database versions not stated): TOPMed 0.00029; ESP Exome Variant Server 0.00031; gnomAD exomes 0.00077 and 0.00169; gnomAD 0.00088 and 0.00100; 1000 Genomes Project 0.00140; ExAC 0.00161; 1000 Genomes Project 30x 0.00203.
gnomAD v4.1: 1,296 of 1,614,174 alleles (0.08%); highest among the groups gnomAD compares: South Asian, 0.54%; 5 homozygotes.

Submissions (10):

Labcorp Genetics (formerly Invitae), Labcorp
Classification: Likely benign. Last evaluated: 2026-02-04. Review status: criteria provided, single submitter. Criteria: Invitae Variant Classification Sherloc (09022015). Collection method: clinical testing. Allele origin: germline.

CeGaT Center for Human Genetics Tuebingen
Classification: Likely benign. Last evaluated: 2026-01-01. Review status: criteria provided, single submitter. Criteria: CeGaT Center For Human Genetics Tuebingen Variant Classification Criteria Version 2. Collection method: clinical testing. Allele origin: germline. Affected: yes. Observed: 1 variant allele.
Comment: PCNT: BP4, BS1

Blueprint Genetics
Classification: Likely benign. Last evaluated: 2024-11-28. Review status: criteria provided, single submitter. Criteria: ACMG Guidelines, 2015. Collection method: clinical testing. Allele origin: germline.

Illumina Laboratory Services, Illumina
Classification: Likely benign for Microcephalic osteodysplastic primordial dwarfism type II. Last evaluated: 2018-01-12. Review status: criteria provided, single submitter. Criteria: ICSL Variant Classification Criteria 13 December 2019. Collection method: clinical testing. Allele origin: germline.
Comment: This variant was observed in the ICSL laboratory as part of a predisposition screen in an ostensibly healthy population. It had not been previously curated by ICSL or reported in the Human Gene Mutation Database (HGMD: prior to June 1st, 2018), and was therefore a candidate for classification through an automated scoring system. Utilizing variant allele frequency, disease prevalence and penetrance estimates, and inheritance mode, an automated score was calculated to assess if this variant is too frequent to cause the disease. Based on the score and internal cut-off values, a variant classified as likely benign is not then subjected to further curation. The score for this variant resulted in a classification of likely benign for this disease.

Genetic Services Laboratory, University of Chicago
Classification: Likely benign. Last evaluated: 2016-09-07. Review status: criteria provided, single submitter. Criteria: ACMG Guidelines, 2015. Collection method: clinical testing. Allele origin: germline. Affected: no.

Eurofins Ntd Llc (ga)
Classification: Uncertain significance. Last evaluated: 2015-06-29. Review status: criteria provided, single submitter. Criteria: EGL Classification Definitions 2015. Collection method: clinical testing. Allele origin: germline. Observed: 1 variant allele, 1 heterozygote.

Dr. Orhan Ocalgiray Molecular Biology-Biotechnology and Genetics Research Centre (MOBGAM), Istanbul Technical University
Classification: Pathogenic for Microcephalic osteodysplastic primordial dwarfism type II. Review status: criteria provided, single submitter. Criteria: ACMG Guidelines, 2015. Collection method: research. Allele origin: germline. Affected: yes. Observed: 1 homozygote.
Comment: The PCNT variant c.2033A>G (p.Lys678Arg) was identified in the homozygous state in three affected siblings, co-segregating with the c.9572G>A (p.Arg3191His) variant. While p.Lys678Arg alone has a relatively low CADD score of 14.2 and a maximum allele frequency of 0.00003199 in population databases. It appears with the p.Arg3191His variant, which has a higher CADD score of 25.6, suggestive of pathogenicity. Given their co-occurrence and segregation with the disease phenotype, these two variants are supporting a pathogenic role when present together.

PreventionGenetics, part of Exact Sciences
Classification: Likely benign for PCNT-related condition. Last evaluated: 2021-08-18. Review status: no assertion criteria provided. Collection method: clinical testing. Allele origin: germline. Not counted in ClinVar's aggregate classification.
Comment: This variant is classified as likely benign based on ACMG/AMP sequence variant interpretation guidelines (Richards et al. 2015 PMID: 25741868, with internal and published modifications).

Clinical Genetics DNA and cytogenetics Diagnostics Lab, Erasmus MC, Erasmus Medical Center
Classification: Likely benign. Review status: no assertion criteria provided. Collection method: clinical testing. Allele origin: germline. Affected: yes. Study: VKGL Data-share Consensus. Not counted in ClinVar's aggregate classification.

Laboratory of Diagnostic Genome Analysis, Leiden University Medical Center (LUMC)
Classification: Likely benign. Review status: no assertion criteria provided. Collection method: clinical testing. Allele origin: germline. Affected: yes. Study: VKGL Data-share Consensus. Not counted in ClinVar's aggregate classification.

NM_006031.6(PCNT):c.2033A>G (p.Lys678Arg)

Gene: PCNT (pericentrin; plus strand). Cytogenetic location: 21q22.3.
Variant type: single nucleotide variant.
Coding change: c.2033A>G on transcript NM_006031.6 (MANE Select); coding-DNA position 2033, A replaced by G.
Protein change: p.Lys678Arg; replaces lysine 678 with arginine.
Molecular consequence: missense variant.
Genome position (GRCh38, 1-based): chr21:46,357,070, A>G. VCF-style: chr21-46357070-A-G. GRCh37 (hg19) VCF-style: chr21-47776985-A-G.
Other names: c.1679A>G, p.Lys560Arg (NM_001315529.2); short protein forms K678R, K560R.
Identifiers: ClinVar variation 281569 (VCV000281569.33), dbSNP rs149623054, ClinGen allele CA10078862.